The following is an entry in ClinVar:

ClinVar aggregate classification (germline): Uncertain significance (1 of 4 stars; one submission).

Conditions:
Mucopolysaccharidosis, MPS-III-A (MPS3A). Also called: HEPARAN SULFATE SULFATASE DEFICIENCY; SANFILIPPO SYNDROME A; SULFAMIDASE DEFICIENCY; MPS III A; MPS IIIA (Sanfilippo Syndrome Type A); Mucopolysaccharidosis type IIIA (Sanfilippo A). Identifiers: Orphanet 581, Orphanet 79269, MedGen C0086647, MONDO:0009655, OMIM 252900.

Allele frequency attached by ClinVar (database versions not stated): gnomAD exomes below 0.00001.

Submission:

Labcorp Genetics (formerly Invitae), Labcorp
Classification: Uncertain significance for Mucopolysaccharidosis, MPS-III-A. Last evaluated: 2022-08-31. Review status: criteria provided, single submitter. Criteria: Invitae Variant Classification Sherloc (09022015). Collection method: clinical testing. Allele origin: germline.
Comment: This sequence change replaces asparagine, which is neutral and polar, with serine, which is neutral and polar, at codon 274 of the SGSH protein (p.Asn274Ser). This variant is not present in population databases (gnomAD no frequency). This variant has not been reported in the literature in individuals affected with SGSH-related conditions. ClinVar contains an entry for this variant (Variation ID: 1439913). Advanced modeling of protein sequence and biophysical properties (such as structural, functional, and spatial information, amino acid conservation, physicochemical variation, residue mobility, and thermodynamic stability) performed at Invitae indicates that this missense variant is expected to disrupt SGSH protein function. Algorithms developed to predict the effect of sequence changes on RNA splicing suggest that this variant may create or strengthen a splice site. In summary, the available evidence is currently insufficient to determine the role of this variant in disease. Therefore, it has been classified as a Variant of Uncertain Significance.

NM_000199.5(SGSH):c.821A>G (p.Asn274Ser)

Gene: SGSH (N-sulfoglucosamine sulfohydrolase; minus strand). Cytogenetic location: 17q25.3.
Variant type: single nucleotide variant.
Coding change: c.821A>G on transcript NM_000199.5 (MANE Select); coding-DNA position 821, A replaced by G.
Protein change: p.Asn274Ser; replaces asparagine 274 with serine.
Molecular consequence: missense variant. On other transcripts: non-coding transcript variant (1).
Genome position (GRCh38, 1-based): chr17:80,212,199, T>C on the plus strand (A>G on the coding strand, the complement: SGSH is on the minus strand). VCF-style: chr17-80212199-T-C. GRCh37 (hg19) VCF-style: chr17-78185998-T-C.
Other names: c.821A>G, p.Asn274Ser (NM_001352921.3, NM_001352922.2); short protein forms N274S.
Identifiers: ClinVar variation 1439913 (VCV001439913.6), dbSNP rs2144716819, ClinGen allele CA401359923.